The following is an entry in ClinVar:

NM_020928.2(ZSWIM6):c.1659C>T (p.Leu553=)

Gene: ZSWIM6 (zinc finger SWIM-type containing 6; plus strand). Cytogenetic location: 5q12.1.
Variant type: single nucleotide variant.
Coding change: c.1659C>T on transcript NM_020928.2 (MANE Select); coding-DNA position 1659, C replaced by T.
Protein change: p.Leu553=; no amino-acid change (leucine 553 retained).
Molecular consequence: synonymous variant.
Genome position (GRCh38, 1-based): chr5:61,525,945, C>T. VCF-style: chr5-61525945-C-T. GRCh37 (hg19) VCF-style: chr5-60821772-C-T.
Identifiers: ClinVar variation 729673 (VCV000729673.13), dbSNP rs373154639, ClinGen allele CA3278369.

ClinVar aggregate classification (germline): Likely benign. Review status: criteria provided, multiple submitters, no conflicts (2 of 4 stars). 5 submissions from 5 submitters: Likely benign (4). 1 of the submissions does not count toward it. Last evaluated 2026-07-01.

Conditions:
ZSWIM6-related disorder. Also called: ZSWIM6-related condition.

Allele frequency attached by ClinVar (database versions not stated): ExAC 0.00026; TOPMed 0.00040; ESP Exome Variant Server 0.00044.
gnomAD v4.1: 93 of 1,552,064 alleles (0.006%); highest among the groups gnomAD compares: African/African-American, 0.1%; 1 homozygote.

Submissions (5):

CeGaT Center for Human Genetics Tuebingen
Classification: Likely benign. Last evaluated: 2026-07-01. Review status: criteria provided, single submitter. Criteria: CeGaT Center For Human Genetics Tuebingen Variant Classification Criteria Version 2. Collection method: clinical testing. Allele origin: germline. Affected: yes. Observed: 2 variant alleles.
Comment: ZSWIM6: BP4, BP7

Women's Health and Genetics/Laboratory Corporation of America, LabCorp
Classification: Likely benign. Last evaluated: 2026-06-17. Review status: criteria provided, single submitter. Criteria: LabCorp Variant Classification Summary - May 2015. Collection method: clinical testing. Allele origin: germline.

Labcorp Genetics (formerly Invitae), Labcorp
Classification: Likely benign. Last evaluated: 2025-12-01. Review status: criteria provided, single submitter. Criteria: Invitae Variant Classification Sherloc (09022015). Collection method: clinical testing. Allele origin: germline.

Breakthrough Genomics
Classification: Likely benign. Review status: criteria provided, single submitter. Criteria: ACMG Guidelines, 2015. Collection method: not provided. Allele origin: germline. Inheritance: Autosomal dominant inheritance. Affected: yes.

PreventionGenetics, part of Exact Sciences
Classification: Likely benign for ZSWIM6-related condition. Last evaluated: 2019-11-25. Review status: no assertion criteria provided. Collection method: clinical testing. Allele origin: germline. Not counted in ClinVar's aggregate classification.
Comment: This variant is classified as likely benign based on ACMG/AMP sequence variant interpretation guidelines (Richards et al. 2015 PMID: 25741868, with internal and published modifications).